The following is an entry in ClinVar:

NM_012200.4(B3GAT3):c.671T>A (p.Leu224Gln)

Gene: B3GAT3 (beta-1,3-glucuronyltransferase 3; minus strand). Cytogenetic location: 11q12.3.
Variant type: single nucleotide variant.
Coding change: c.671T>A on transcript NM_012200.4 (MANE Select); coding-DNA position 671, T replaced by A.
Protein change: p.Leu224Gln; replaces leucine 224 with glutamine.
Molecular consequence: missense variant. On other transcripts: non-coding transcript variant (1).
Genome position (GRCh38, 1-based): chr11:62,616,744, A>T on the plus strand (T>A on the coding strand, the complement: B3GAT3 is on the minus strand). VCF-style: chr11-62616744-A-T. GRCh37 (hg19) VCF-style: chr11-62384216-A-T.
Other names: c.650T>A, p.Leu217Gln (NM_001288721.2); c.671T>A, p.Leu224Gln (NM_001288722.2, NM_001288723.2); short protein forms L217Q, L224Q.
Identifiers: ClinVar variation 1204070 (VCV001204070.6), dbSNP rs1419830872, ClinGen allele CA380976268.

ClinVar aggregate classification (germline): Pathogenic (1 of 4 stars; one submission).

Allele frequency attached by ClinVar (database versions not stated): gnomAD exomes 0.00001 and below 0.00001; TOPMed 0.00001; gnomAD 0.00001.
gnomAD v4.1: 4 of 1,613,964 alleles (0.00025%); highest among the groups gnomAD compares: Non-Finnish European, 0.00025%; no homozygotes.

Submission:

GeneDx
Classification: Pathogenic. Last evaluated: 2025-12-30. Review status: criteria provided, single submitter. Criteria: GeneDx Variant Classification Process June 2021. Collection method: clinical testing. Allele origin: germline. Affected: yes.
Comment: Not observed at significant frequency in large population cohorts (gnomAD); In silico analysis supports that this missense variant has a deleterious effect on protein structure/function; Published functional studies demonstrate a damaging effect with L224Q expressing cells showing 3% of wildtype glucuronyltransferase activity (PMID: 27871226); This variant is associated with the following publications: (PMID: 34537402, 34441372, 35151321, 39359951, 27871226)